The following is an entry in ClinVar:

ClinVar aggregate classification (germline): Likely benign (1 of 4 stars; one submission).

gnomAD v4.1: 30 of 1,596,298 alleles (0.0019%); highest among the groups gnomAD compares: East Asian, 0.038%; no homozygotes.

Submission:

CeGaT Center for Human Genetics Tuebingen
Classification: Likely benign. Last evaluated: 2026-04-01. Review status: criteria provided, single submitter. Criteria: CeGaT Center For Human Genetics Tuebingen Variant Classification Criteria Version 2. Collection method: clinical testing. Allele origin: germline. Affected: yes. Observed: 3 variant alleles.
Comment: BRD4: BP4

NM_001379291.1(BRD4):c.2158+527A>G

Gene: BRD4 (bromodomain containing 4; minus strand). Cytogenetic location: 19p13.12.
Variant type: single nucleotide variant.
Coding change: c.2158+527A>G on transcript NM_001379291.1 (MANE Select); 527 bases into the intron after coding-DNA position 2158, A replaced by G.
Molecular consequence: intron variant. On other transcripts: missense variant (1).
Genome position (GRCh38, 1-based): chr19:15,253,625, T>C on the plus strand (A>G on the coding strand, the complement: BRD4 is on the minus strand). VCF-style: chr19-15253625-T-C. GRCh37 (hg19) VCF-style: chr19-15364436-T-C.
Other names: c.2317A>G, p.Ile773Val (NM_001330384.2); c.2158+527A>G (NM_058243.3, NM_001379292.1, NM_014299.3); short protein forms I773V.
Identifiers: ClinVar variation 3388554 (VCV003388554.14).